The following is an entry in ClinVar:

NM_000069.3(CACNA1S):c.4807G>A (p.Gly1603Ser)

Gene: CACNA1S (calcium voltage-gated channel subunit alpha1 S; minus strand). Cytogenetic location: 1q32.1.
Variant type: single nucleotide variant.
Coding change: c.4807G>A on transcript NM_000069.3 (MANE Select); coding-DNA position 4807, G replaced by A.
Protein change: p.Gly1603Ser; replaces glycine 1603 with serine.
Molecular consequence: missense variant.
Genome position (GRCh38, 1-based): chr1:201,043,522, C>T on the plus strand (G>A on the coding strand, the complement: CACNA1S is on the minus strand). VCF-style: chr1-201043522-C-T. GRCh37 (hg19) VCF-style: chr1-201012650-C-T.
Other names: short protein forms G1603S.
Identifiers: ClinVar variation 3074962 (VCV003074962.1), dbSNP rs2464411958, ClinGen allele CA344137887.

ClinVar aggregate classification (germline): Uncertain significance (1 of 4 stars; one submission).

Conditions:
Malignant hyperthermia, susceptibility to, 5 (MHS5). Also called: CACNA1S-Related Malignant Hyperthermia Susceptibility. Identifiers: Orphanet 423, MedGen C1866077, MONDO:0011163, OMIM 601887.

Submission:

All of Us Research Program, National Institutes of Health
Classification: Uncertain significance for Malignant hyperthermia, susceptibility to, 5. Last evaluated: 2024-01-11. Review status: criteria provided, single submitter. Criteria: ACMG Guidelines, 2015. Collection method: clinical testing. Allele origin: germline. Inheritance: Autosomal dominant inheritance. Observed: 1 variant allele, 1 heterozygote.
Comment: This study involves interpretation of variants in research participants for the purpose of population health screening. Participant phenotype was not available at the time of variant classification. Additional details can be found in publication PMID: 35346344, PMCID: PMC8962531